The following is an entry in ClinVar:

ClinVar aggregate classification (germline): Uncertain significance (1 of 4 stars; one submission).

Conditions:
Epilepsy, childhood absence, susceptibility to, 1. Also called: Epilepsy, childhood absence 1. Identifiers: Orphanet 64280, MedGen C1838604, MONDO:0020759, OMIM 600131.
Epilepsy, childhood absence, susceptibility to, 5. Identifiers: Orphanet 64280, MedGen C2677087, MONDO:0012843, OMIM 612269.

Submission:

Labcorp Genetics (formerly Invitae), Labcorp
Classification: Uncertain significance for Epilepsy, childhood absence, susceptibility to, 5; Epilepsy, childhood absence, susceptibility to, 1. Last evaluated: 2023-09-21. Review status: criteria provided, single submitter. Criteria: Invitae Variant Classification Sherloc (09022015). Collection method: clinical testing. Allele origin: germline.
Comment: In summary, the available evidence is currently insufficient to determine the role of this variant in disease. Therefore, it has been classified as a Variant of Uncertain Significance. Advanced modeling of protein sequence and biophysical properties (such as structural, functional, and spatial information, amino acid conservation, physicochemical variation, residue mobility, and thermodynamic stability) performed at Invitae indicates that this missense variant is not expected to disrupt GABRB3 protein function. This variant has not been reported in the literature in individuals affected with GABRB3-related conditions. This variant is not present in population databases (gnomAD no frequency). This sequence change replaces leucine, which is neutral and non-polar, with arginine, which is basic and polar, at codon 372 of the GABRB3 protein (p.Leu372Arg).

NM_000814.6(GABRB3):c.1115T>G (p.Leu372Arg)

Gene: GABRB3 (gamma-aminobutyric acid type A receptor subunit beta3; minus strand). Cytogenetic location: 15q12.
Variant type: single nucleotide variant.
Coding change: c.1115T>G on transcript NM_000814.6 (MANE Select); coding-DNA position 1115, T replaced by G.
Protein change: p.Leu372Arg; replaces leucine 372 with arginine.
Molecular consequence: missense variant.
Genome position (GRCh38, 1-based): chr15:26,548,100, A>C on the plus strand (T>G on the coding strand, the complement: GABRB3 is on the minus strand). VCF-style: chr15-26548100-A-C. GRCh37 (hg19) VCF-style: chr15-26793247-A-C.
Other names: c.860T>G, p.Leu287Arg (NM_001191320.2, NM_001278631.2); c.902T>G, p.Leu301Arg (NM_001191321.3); c.1115T>G, p.Leu372Arg (NM_021912.5); short protein forms L287R, L301R, L372R.
Identifiers: ClinVar variation 2952140 (VCV002952140.3), dbSNP rs2504115265, ClinGen allele CA391459394.